The following is an entry in ClinVar:

ClinVar aggregate classification (germline): Uncertain significance (1 of 4 stars; one submission).

Submission:

Labcorp Genetics (formerly Invitae), Labcorp
Classification: Uncertain significance. Last evaluated: 2024-06-26. Review status: criteria provided, single submitter. Criteria: Invitae Variant Classification Sherloc (09022015). Collection method: clinical testing. Allele origin: germline.
Comment: This variant, c.539_550del, results in the deletion of 4 amino acid(s) of the THBD protein (p.Val180_Gly183del), but otherwise preserves the integrity of the reading frame. This variant is not present in population databases (gnomAD no frequency). This variant has not been reported in the literature in individuals affected with THBD-related conditions. Experimental studies and prediction algorithms are not available or were not evaluated, and the functional significance of this variant is currently unknown. In summary, the available evidence is currently insufficient to determine the role of this variant in disease. Therefore, it has been classified as a Variant of Uncertain Significance.

NM_000361.3(THBD):c.539_550del (p.Val180_Gly183del)

Gene: THBD (thrombomodulin; minus strand). Cytogenetic location: 20p11.21.
Variant type: Deletion.
Coding change: c.539_550del on transcript NM_000361.3 (MANE Select); coding-DNA positions 539 to 550, 12 bases deleted (TGGAGCCCGGCG).
Protein change: p.Val180_Gly183del.
Genome position (GRCh38, 1-based): chr20:23,048,955-23,048,966, CGCCGGGCTCCA deleted on the plus strand (TGGAGCCCGGCG on the coding strand, the reverse complement: THBD is on the minus strand); deleting any 12 consecutive bases within chr20:23,048,955-23,048,967 gives the same sequence; the c. name uses the placement nearest the transcript's 3' end. VCF-style (leftmost placement, unchanged base first): chr20-23048954-GCGCCGGGCTCCA-G. GRCh37 (hg19) VCF-style: chr20-23029591-GCGCCGGGCTCCA-G.
Identifiers: ClinVar variation 3658049 (VCV003658049.2).